The following is an entry in ClinVar:

NM_014975.3(MAST1):c.2507G>T (p.Arg836Leu)

Genes: MAST1 (microtubule associated serine/threonine kinase 1; plus strand), LOC112543452 (Sharpr-MPRA regulatory region 6054; plus strand). Cytogenetic location: 19p13.13.
Variant type: single nucleotide variant.
Coding change: c.2507G>T on transcript NM_014975.3 (MANE Select); coding-DNA position 2507, G replaced by T.
Protein change: p.Arg836Leu; replaces arginine 836 with leucine.
Molecular consequence: missense variant.
Genome position (GRCh38, 1-based): chr19:12,867,918, G>T. VCF-style: chr19-12867918-G-T. GRCh37 (hg19) VCF-style: chr19-12978732-G-T.
Other names: c.2507G>T (NM_014975.2); short protein forms R836L.
Identifiers: ClinVar variation 2169484 (VCV002169484.6), dbSNP rs566685039, ClinGen allele CA9233163.
Genomic context (GRCh38, chr19:12,867,918, plus strand): 5'-AGGCCCGGCTGCGCAGGCCTCCCCGGCCCAGCTCCGACCCCGCGGGATCCCTGGATGCAC[G>T]GGCCCCCAAAGAGGAGACTCAAGGGGAAGGCACCTCCAGCGCCGGGGACTCCGAGGCCAG-3'
Protein context (NP_055790.1, residues 826-846): SSDPAGSLDA[Arg836Leu]APKEETQGEG

ClinVar aggregate classification (germline): Benign. Review status: criteria provided, single submitter (1 of 4 stars). 2 submissions from 2 submitters: Benign (1). 1 of the submissions does not count toward it. Last evaluated 2024-10-18.

Conditions:
MAST1-related disorder. Also called: MAST1-related condition.

Allele frequency attached by ClinVar (database versions not stated): gnomAD 0.00007; 1000 Genomes Project 30x 0.00016; 1000 Genomes Project 0.00020; ExAC 0.00039.
gnomAD v4.1: 236 of 1,600,012 alleles (0.015%); highest among the groups gnomAD compares: South Asian, 0.24%; 4 homozygotes.

Submissions (2):

Labcorp Genetics (formerly Invitae), Labcorp
Classification: Benign. Last evaluated: 2024-10-18. Review status: criteria provided, single submitter. Criteria: Invitae Variant Classification Sherloc (09022015). Collection method: clinical testing. Allele origin: germline.

PreventionGenetics, part of Exact Sciences
Classification: Likely benign for MAST1-related condition. Last evaluated: 2023-09-13. Review status: no assertion criteria provided. Collection method: clinical testing. Allele origin: germline. Not counted in ClinVar's aggregate classification.
Comment: This variant is classified as likely benign based on ACMG/AMP sequence variant interpretation guidelines (Richards et al. 2015 PMID: 25741868, with internal and published modifications).